The following is an entry in ClinVar:

NM_080632.3(UPF3B):c.763A>G (p.Arg255Gly)

Gene: UPF3B (UPF3B regulator of nonsense mediated mRNA decay; minus strand). Cytogenetic location: Xq24.
Variant type: single nucleotide variant.
Coding change: c.763A>G on transcript NM_080632.3 (MANE Select); coding-DNA position 763, A replaced by G.
Protein change: p.Arg255Gly; replaces arginine 255 with glycine.
Molecular consequence: missense variant.
Genome position (GRCh38, 1-based): chrX:119,841,120, T>C on the plus strand (A>G on the coding strand, the complement: UPF3B is on the minus strand). VCF-style: chrX-119841120-T-C. GRCh37 (hg19) VCF-style: chrX-118975083-T-C.
Other names: c.763A>G (NM_080632.1); c.763A>G, p.Arg255Gly (NM_023010.4); short protein forms R255G.
Identifiers: ClinVar variation 1029871 (VCV001029871.4), dbSNP rs985384811, ClinGen allele CA334125062.

ClinVar aggregate classification (germline): Uncertain significance. Review status: criteria provided, multiple submitters, no conflicts (2 of 4 stars). 3 submissions from 3 submitters: Uncertain significance (3). Last evaluated 2025-10-25.

Conditions:
Intellectual developmental disorder, X-linked, syndromic 14. Also called: Syndromic X-linked intellectual disability 14. Identifiers: Orphanet 776, MedGen C1970822, MONDO:0010398, OMIM 300676.

Allele frequency attached by ClinVar (database versions not stated): gnomAD exomes 0.00001 and below 0.00001; TOPMed 0.00002.

Submissions (3):

Dasa
Classification: Uncertain significance. Last evaluated: 2025-10-25. Review status: criteria provided, single submitter. Criteria: DASA Assertion Criteria. Collection method: clinical testing. Allele origin: germline.
Comment: NM_080632.3(UPF3B):c.763A>G (p.Arg255Gly) is a missense variant that results in the substitution of arginine with glycine. This variant is rare in population databases. The currently available literature and clinical evidence are not sufficient to establish a definitive association between this variant and the reported condition. Therefore, this variant is classified as a variant of uncertain significance.

GeneDx
Classification: Uncertain significance. Last evaluated: 2023-07-03. Review status: criteria provided, single submitter. Criteria: GeneDx Variant Classification Process June 2021. Collection method: clinical testing. Allele origin: germline. Affected: yes.
Comment: Not observed at significant frequency in large population cohorts (gnomAD); In silico analysis supports that this missense variant has a deleterious effect on protein structure/function; Has not been previously published as pathogenic or benign to our knowledge

Baylor Genetics
Classification: Uncertain significance for Intellectual developmental disorder, X-linked, syndromic 14. Last evaluated: 2019-10-28. Review status: criteria provided, single submitter. Criteria: ACMG Guidelines, 2015. Collection method: clinical testing. Allele origin: unknown. Affected: yes.
Comment: This variant was determined to be of uncertain significance according to ACMG Guidelines, 2015 [PMID:25741868].